The following is an entry in ClinVar:

NM_006080.3(SEMA3A):c.1452+10_1452+12del

Gene: SEMA3A (semaphorin 3A; minus strand). Cytogenetic location: 7q21.11.
Variant type: Microsatellite.
Coding change: c.1452+10_1452+12del on transcript NM_006080.3 (MANE Select); bases 10 to 12 of the intron after coding-DNA position 1452, 3 bases deleted (GCT; older notation c.1452+10_1452+12delGCT).
Molecular consequence: intron variant.
Genome position (GRCh38, 1-based): chr7:84,001,943-84,001,945, AGC deleted on the plus strand (GCT on the coding strand, the reverse complement: SEMA3A is on the minus strand); deleting any 3 consecutive bases within chr7:84,001,943-84,001,949 gives the same sequence; the c. name uses the placement nearest the transcript's 3' end. VCF-style (leftmost placement, unchanged base first): chr7-84001942-AAGC-A. GRCh37 (hg19) VCF-style: chr7-83631258-AAGC-A.
Identifiers: ClinVar variation 3350831 (VCV003350831.2).
Genomic context (GRCh38, chr7:84,001,942, plus strand): 5'-TTCAGTGTGCAGCTGTCCTGGGGGAAAGACGTACAACTGAACTTGTTGACACTTGAAATT[AAGC>A]AGCACTCACCCGAAAAACTGTCATTTCTTCCAGCAGAACCTCTTCTAAATCATACCAAGT-3'

ClinVar aggregate classification (germline): Likely benign. Review status: criteria provided, single submitter (1 of 4 stars). 2 submissions from 2 submitters: Likely benign (1). 1 of the submissions does not count toward it. Last evaluated 2026-01-08.

Conditions:
SEMA3A-related disorder. Also called: SEMA3A-related condition.

Submissions (2):

Labcorp Genetics (formerly Invitae), Labcorp
Classification: Likely benign. Last evaluated: 2026-01-08. Review status: criteria provided, single submitter. Criteria: Invitae Variant Classification Sherloc (09022015). Collection method: clinical testing. Allele origin: germline.

PreventionGenetics, part of Exact Sciences
Classification: Likely benign for SEMA3A-related condition. Last evaluated: 2024-03-12. Review status: no assertion criteria provided. Collection method: clinical testing. Allele origin: germline. Not counted in ClinVar's aggregate classification.
Comment: This variant is classified as likely benign based on ACMG/AMP sequence variant interpretation guidelines (Richards et al. 2015 PMID: 25741868, with internal and published modifications).